The following is an entry in ClinVar:

ClinVar aggregate classification (germline): Benign (1 of 4 stars; one submission).

Allele frequency attached by ClinVar (database versions not stated): 1000 Genomes Project 30x 0.00078; 1000 Genomes Project 0.00100; gnomAD 0.00222.
gnomAD v4.1: 328 of 148,264 alleles (0.22%); highest among the groups gnomAD compares: Non-Finnish European, 0.39%; 4 homozygotes.

Submission:

CeGaT Center for Human Genetics Tuebingen
Classification: Benign. Last evaluated: 2022-08-01. Review status: criteria provided, single submitter. Criteria: CeGaT Center For Human Genetics Tuebingen Variant Classification Criteria Version 2. Collection method: clinical testing. Allele origin: germline. Affected: yes. Observed: 1 variant allele.
Comment: CSMD1: BS1, BS2

NM_033225.6(CSMD1):c.7856-3586T>A

Genes: CSMD1 (CUB and Sushi multiple domains 1; minus strand), LOC105377785 (uncharacterized LOC105377785; plus strand). Cytogenetic location: 8p23.2.
Variant type: single nucleotide variant.
Coding change: c.7856-3586T>A on transcript NM_033225.6 (MANE Select); 3586 bases into the intron before coding-DNA position 7856, T replaced by A.
Molecular consequence: intron variant. On other transcripts: non-coding transcript variant (5).
Genome position (GRCh38, 1-based): chr8:3,022,236, A>T on the plus strand (T>A on the coding strand, the complement: CSMD1 is on the minus strand). VCF-style: chr8-3022236-A-T. GRCh37 (hg19) VCF-style: chr8-2879758-A-T.
Identifiers: ClinVar variation 2658323 (VCV002658323.24), dbSNP rs530908650, ClinGen allele CA170627135.
Genomic context (GRCh38, chr8:3,022,236, plus strand): 5'-GGCAATCCCACAGCATCCGGAATGCACCCGCAGCCCCACAGCATCCGGAATACACCCGCA[A>T]TCCCACAGCATCTGGAATGCACCCGCAATCCCACATCCAGAGCATCCGGAATGCACCCGC-3'